The following is an entry in ClinVar:

ClinVar aggregate classification (germline): Uncertain significance. Review status: criteria provided, multiple submitters, no conflicts (2 of 4 stars). 2 submissions from 2 submitters: Uncertain significance (2). Last evaluated 2025-08-26.

Conditions:
Gorlin syndrome. Also called: Nevoid Basal Cell Carcinoma Syndrome; Basal cell nevus syndrome. Identifiers: Orphanet 377, MedGen C0004779, MONDO:0007187.
Hereditary cancer-predisposing syndrome. Also called: Neoplastic Syndromes, Hereditary; Hereditary Cancer Syndrome; Tumor predisposition; Hereditary neoplastic syndrome. Identifiers: Orphanet 140162, MedGen C0027672, MeSH D009386, MONDO:0015356.

Submissions (2):

Ambry Genetics
Classification: Uncertain significance for Hereditary cancer-predisposing syndrome. Last evaluated: 2025-08-26. Review status: criteria provided, single submitter. Criteria: Ambry Variant Classification Scheme 2023. Collection method: clinical testing. Allele origin: germline.
Comment: The c.3549+5G>T intronic variant results from a G to T substitution 5 nucleotides after coding exon 21 in the PTCH1 gene. This nucleotide position is highly conserved in available vertebrate species. In silico splice site analysis predicts that this alteration will weaken the native splice donor site. RNA studies have demonstrated that this alteration results in a splice defect; the clinical impact of this abnormal splicing is unknown at this time (Ambry internal data). Based on the available evidence, the clinical significance of this variant remains unclear.

Labcorp Genetics (formerly Invitae), Labcorp
Classification: Uncertain significance for Gorlin syndrome. Last evaluated: 2021-09-16. Review status: criteria provided, single submitter. Criteria: Invitae Variant Classification Sherloc (09022015). Collection method: clinical testing. Allele origin: germline.
Comment: In summary, the available evidence is currently insufficient to determine the role of this variant in disease. Therefore, it has been classified as a Variant of Uncertain Significance. Variants that disrupt the consensus splice site are a relatively common cause of aberrant splicing (PMID: 17576681, 9536098). Algorithms developed to predict the effect of sequence changes on RNA splicing suggest that this variant may disrupt the consensus splice site. This variant has not been reported in the literature in individuals affected with PTCH1-related conditions. This variant is not present in population databases (ExAC no frequency). This sequence change falls in intron 21 of the PTCH1 gene. It does not directly change the encoded amino acid sequence of the PTCH1 protein. It affects a nucleotide within the consensus splice site of the intron.

Literature cited by the submitters: PubMed 17576681 (cited by Labcorp Genetics (formerly Invitae), Labcorp); PubMed 9536098 (cited by Labcorp Genetics (formerly Invitae), Labcorp).

NM_000264.5(PTCH1):c.3549+5G>T

Gene: PTCH1 (patched 1; minus strand). Cytogenetic location: 9q22.32.
Variant type: single nucleotide variant.
Coding change: c.3549+5G>T on transcript NM_000264.5 (MANE Select); 5 bases into the intron after coding-DNA position 3549, G replaced by T.
Molecular consequence: intron variant.
Genome position (GRCh38, 1-based): chr9:95,449,836, C>A on the plus strand (G>T on the coding strand, the complement: PTCH1 is on the minus strand). VCF-style: chr9-95449836-C-A. GRCh37 (hg19) VCF-style: chr9-98212118-C-A.
Other names: c.3549+5G>T (NM_000264.3); c.3546+5G>T (NM_001083603.3); c.3351+5G>T (NM_001083602.3); c.3393+5G>T (NM_001354918.2); c.3096+5G>T (NM_001083605.3, NM_001083604.3, NM_001083606.3 and 1 more transcripts).
Identifiers: ClinVar variation 1463363 (VCV001463363.7), dbSNP rs565899674, ClinGen allele CA645546651.
Genomic context (GRCh38, chr9:95,449,836, plus strand): 5'-GAGCGGCACAGGAAACACAGCATTCAGCCGGCCTACACGTGGGACATCCCCGTGTCACTA[C>A]TGACCTCAGGATATGGTCCAAAGAAAGACAAAAGCACGGGAAGCAAAACCAGCCCATTGA-3'